The following is an entry in ClinVar:

NM_005559.4(LAMA1):c.1967G>A (p.Arg656His)

Gene: LAMA1 (laminin subunit alpha 1; minus strand). Cytogenetic location: 18p11.31.
Variant type: single nucleotide variant.
Coding change: c.1967G>A on transcript NM_005559.4 (MANE Select); coding-DNA position 1967, G replaced by A.
Protein change: p.Arg656His; replaces arginine 656 with histidine.
Molecular consequence: missense variant.
Genome position (GRCh38, 1-based): chr18:7,034,563, C>T on the plus strand (G>A on the coding strand, the complement: LAMA1 is on the minus strand). VCF-style: chr18-7034563-C-T. GRCh37 (hg19) VCF-style: chr18-7034562-C-T.
Other names: c.1967G>A (NM_005559.3); short protein forms R656H.
Identifiers: ClinVar variation 1420773 (VCV001420773.9), dbSNP rs556604476, ClinGen allele CA8882815.

ClinVar aggregate classification (germline): Uncertain significance. Review status: criteria provided, multiple submitters, no conflicts (2 of 4 stars). 3 submissions from 3 submitters: Uncertain significance (3). Last evaluated 2025-08-26.

Conditions:
Inborn genetic diseases. Identifiers: MedGen C0950123, MeSH D030342.

Allele frequency attached by ClinVar (database versions not stated): 1000 Genomes Project 30x 0.00016; 1000 Genomes Project 0.00020.

Submissions (3):

Ambry Genetics
Classification: Uncertain significance for Inborn genetic diseases. Last evaluated: 2025-08-26. Review status: criteria provided, single submitter. Criteria: Ambry Variant Classification Scheme 2023. Collection method: clinical testing. Allele origin: germline.

Blueprint Genetics
Classification: Uncertain significance. Last evaluated: 2024-10-09. Review status: criteria provided, single submitter. Criteria: ACMG Guidelines, 2015. Collection method: clinical testing. Allele origin: germline.

Labcorp Genetics (formerly Invitae), Labcorp
Classification: Uncertain significance. Last evaluated: 2022-08-16. Review status: criteria provided, single submitter. Criteria: Invitae Variant Classification Sherloc (09022015). Collection method: clinical testing. Allele origin: germline.
Comment: This variant is present in population databases (rs556604476, gnomAD 0.05%). This sequence change replaces arginine, which is basic and polar, with histidine, which is basic and polar, at codon 656 of the LAMA1 protein (p.Arg656His). This variant has not been reported in the literature in individuals affected with LAMA1-related conditions. In summary, the available evidence is currently insufficient to determine the role of this variant in disease. Therefore, it has been classified as a Variant of Uncertain Significance. Algorithms developed to predict the effect of missense changes on protein structure and function are either unavailable or do not agree on the potential impact of this missense change (SIFT: "Deleterious"; PolyPhen-2: "Probably Damaging"; Align-GVGD: "Class C0"). ClinVar contains an entry for this variant (Variation ID: 1420773).